The following is an entry in ClinVar:

NM_002880.4(RAF1):c.848G>A (p.Ser283Asn)

Gene: RAF1 (Raf-1 proto-oncogene, serine/threonine kinase; minus strand). Cytogenetic location: 3p25.2.
Variant type: single nucleotide variant.
Coding change: c.848G>A on transcript NM_002880.4 (MANE Select); coding-DNA position 848, G replaced by A.
Protein change: p.Ser283Asn; replaces serine 283 with asparagine.
Molecular consequence: missense variant. On other transcripts: non-coding transcript variant (3).
Genome position (GRCh38, 1-based): chr3:12,600,402, C>T on the plus strand (G>A on the coding strand, the complement: RAF1 is on the minus strand). VCF-style: chr3-12600402-C-T. GRCh37 (hg19) VCF-style: chr3-12641901-C-T.
Other names: p.Ser283Asn; c.908G>A, p.Ser303Asn (NM_001354689.3); c.848G>A, p.Ser283Asn (NM_001354690.3); c.605G>A, p.Ser202Asn (NM_001354691.3, NM_001354692.3); c.749G>A, p.Ser250Asn (NM_001354693.3); c.665G>A, p.Ser222Asn (NM_001354694.3); c.506G>A, p.Ser169Asn (NM_001354695.3); short protein forms S250N, S169N, S202N, S222N, S283N, S303N.
Identifiers: ClinVar variation 641686 (VCV000641686.11), dbSNP rs1575565653, ClinGen allele CA351510080.

ClinVar aggregate classification (germline): Uncertain significance. Review status: criteria provided, multiple submitters, no conflicts (2 of 4 stars). 4 submissions from 4 submitters: Uncertain significance (4). Last evaluated 2025-10-14.

Conditions:
RASopathy. Also called: rasopathies; Noonan spectrum disorder. Identifiers: Orphanet 536391, MedGen C5555857, MONDO:0021060.
Cardiovascular phenotype. Identifiers: MedGen CN230736.

Allele frequency attached by ClinVar (database versions not stated): TOPMed below 0.00001; gnomAD exomes 0.00004.
gnomAD v4.1: 54 of 1,614,202 alleles (0.0033%); highest among the groups gnomAD compares: Non-Finnish European, 0.0046%; no homozygotes.

Submissions (4):

Ambry Genetics
Classification: Uncertain significance for Cardiovascular phenotype. Last evaluated: 2025-10-14. Review status: criteria provided, single submitter. Criteria: Ambry Variant Classification Scheme 2023. Collection method: clinical testing. Allele origin: germline.
Comment: The p.S283N variant (also known as c.848G>A), located in coding exon 7 of the RAF1 gene, results from a G to A substitution at nucleotide position 848. The serine at codon 283 is replaced by asparagine, an amino acid with highly similar properties. This amino acid position is well conserved in available vertebrate species. In addition, this alteration is predicted to be tolerated by in silico analysis. Based on the available evidence, the clinical significance of this variant remains unclear.

Blueprint Genetics
Classification: Uncertain significance. Last evaluated: 2024-11-06. Review status: criteria provided, single submitter. Criteria: ACMG Guidelines, 2015. Collection method: clinical testing. Allele origin: germline.

Labcorp Genetics (formerly Invitae), Labcorp
Classification: Uncertain significance for RASopathy. Last evaluated: 2024-09-01. Review status: criteria provided, single submitter. Criteria: Invitae Variant Classification Sherloc (09022015). Collection method: clinical testing. Allele origin: germline.
Comment: This sequence change replaces serine, which is neutral and polar, with asparagine, which is neutral and polar, at codon 283 of the RAF1 protein (p.Ser283Asn). This variant is not present in population databases (gnomAD no frequency). This missense change has been observed in individual(s) with dilated cardiomyopathy (PMID: 31983221). ClinVar contains an entry for this variant (Variation ID: 641686). Invitae Evidence Modeling of protein sequence and biophysical properties (such as structural, functional, and spatial information, amino acid conservation, physicochemical variation, residue mobility, and thermodynamic stability) indicates that this missense variant is not expected to disrupt RAF1 protein function with a negative predictive value of 95%. In summary, the available evidence is currently insufficient to determine the role of this variant in disease. Therefore, it has been classified as a Variant of Uncertain Significance.

Mayo Clinic Laboratories, Mayo Clinic
Classification: Uncertain significance. Last evaluated: 2024-03-04. Review status: criteria provided, single submitter. Criteria: ACMG Guidelines, 2015. Collection method: clinical testing. Allele origin: germline. Observed: 1 variant allele.
Comment: BP4, PM2

Literature cited by the submitters: PubMed 31983221 (cited by Labcorp Genetics (formerly Invitae), Labcorp and Mayo Clinic Laboratories, Mayo Clinic).